The following is an entry in ClinVar:

NM_000435.3(NOTCH3):c.3645C>G (p.His1215Gln)

Gene: NOTCH3 (notch receptor 3; minus strand). Cytogenetic location: 19p13.12.
Variant type: single nucleotide variant.
Coding change: c.3645C>G on transcript NM_000435.3 (MANE Select); coding-DNA position 3645, C replaced by G.
Protein change: p.His1215Gln; replaces histidine 1215 with glutamine.
Molecular consequence: missense variant.
Genome position (GRCh38, 1-based): chr19:15,179,098, G>C on the plus strand (C>G on the coding strand, the complement: NOTCH3 is on the minus strand). VCF-style: chr19-15179098-G-C. GRCh37 (hg19) VCF-style: chr19-15289909-G-C.
Other names: short protein forms H1215Q.
Identifiers: ClinVar variation 3624745 (VCV003624745.2).

ClinVar aggregate classification (germline): Uncertain significance (1 of 4 stars; one submission).

gnomAD v4.1: 50 of 1,614,202 alleles (0.0031%); highest among the groups gnomAD compares: Non-Finnish European, 0.0042%; no homozygotes.

Submission:

Labcorp Genetics (formerly Invitae), Labcorp
Classification: Uncertain significance. Last evaluated: 2024-04-04. Review status: criteria provided, single submitter. Criteria: Invitae Variant Classification Sherloc (09022015). Collection method: clinical testing. Allele origin: germline.
Comment: This sequence change replaces histidine, which is basic and polar, with glutamine, which is neutral and polar, at codon 1215 of the NOTCH3 protein (p.His1215Gln). This variant is present in population databases (rs773203358, gnomAD 0.003%). This variant has not been reported in the literature in individuals affected with NOTCH3-related conditions. Advanced modeling of protein sequence and biophysical properties (such as structural, functional, and spatial information, amino acid conservation, physicochemical variation, residue mobility, and thermodynamic stability) performed at Invitae indicates that this missense variant is not expected to disrupt NOTCH3 protein function with a negative predictive value of 95%. In summary, the available evidence is currently insufficient to determine the role of this variant in disease. Therefore, it has been classified as a Variant of Uncertain Significance.